The following is an entry in ClinVar:

NM_001626.6(AKT2):c.212A>G (p.Asn71Ser)

Gene: AKT2 (AKT serine/threonine kinase 2; minus strand). Cytogenetic location: 19q13.2.
Variant type: single nucleotide variant.
Coding change: c.212A>G on transcript NM_001626.6 (MANE Select); coding-DNA position 212, A replaced by G.
Protein change: p.Asn71Ser; replaces asparagine 71 with serine.
Molecular consequence: missense variant.
Genome position (GRCh38, 1-based): chr19:40,255,233, T>C on the plus strand (A>G on the coding strand, the complement: AKT2 is on the minus strand). VCF-style: chr19-40255233-T-C. GRCh37 (hg19) VCF-style: chr19-40761140-T-C.
Other names: c.26A>G, p.Asn9Ser (NM_001243027.3, NM_001243028.3); c.212A>G, p.Asn71Ser (NM_001330511.1); short protein forms N71S, N9S.
Identifiers: ClinVar variation 783189 (VCV000783189.12), dbSNP rs200272953, ClinGen allele CA9441945.

ClinVar aggregate classification (germline): Conflicting classifications of pathogenicity. Review status: criteria provided, conflicting classifications (1 of 4 stars). 3 submissions from 3 submitters: Uncertain significance (2); Likely benign (1). Last evaluated 2026-06-08.

Conditions:
Hypoinsulinemic hypoglycemia and body hemihypertrophy. Also called: Hypoinsulinemic hypoglycemia and hemihypertrophy. Identifiers: Orphanet 293964, MedGen C3278384, MONDO:0009416, OMIM 240900.
Type 2 diabetes mellitus. Also called: Type II diabetes mellitus. Identifiers: MedGen C0011860, MeSH D003924, MONDO:0005148, OMIM 125853, HP:0005978.
AKT2-related disorder. Also called: AKT2-related condition.

Allele frequency attached by ClinVar (database versions not stated): ExAC 0.00020; ESP Exome Variant Server 0.00023; TOPMed 0.00024; gnomAD 0.00028; 1000 Genomes Project 0.00040; 1000 Genomes Project 30x 0.00047.
gnomAD v4.1: 453 of 1,614,008 alleles (0.028%); highest among the groups gnomAD compares: Admixed American, 0.067%; no homozygotes.

Submissions (3):

PreventionGenetics, part of Exact Sciences
Classification: Uncertain significance for AKT2-related condition. Last evaluated: 2026-06-08. Review status: criteria provided, single submitter. Criteria: ACMG Guidelines, 2015. Collection method: clinical testing. Allele origin: germline.
Comment: The AKT2 c.212A>G variant is predicted to result in the amino acid substitution p.Asn71Ser. This variant was reported in study of individual with dyslipidemias (Supplemental Table 4, Dron et al. 2020. PubMed ID: 32041611). This variant is reported in 0.12% of alleles in individuals of Ashkenazi Jewish descent in gnomAD, which may be too frequent to be a primary cause of disease. Although we suspect that this variant may possibly be benign, at this time its clinical significance is uncertain due to the absence of conclusive clinical and genetic evidence.

Labcorp Genetics (formerly Invitae), Labcorp
Classification: Likely benign for Hypoinsulinemic hypoglycemia and body hemihypertrophy; Type 2 diabetes mellitus. Last evaluated: 2026-01-08. Review status: criteria provided, single submitter. Criteria: Invitae Variant Classification Sherloc (09022015). Collection method: clinical testing. Allele origin: germline.

New York Genome Center
Classification: Uncertain significance for Type 2 diabetes mellitus; Hypoinsulinemic hypoglycemia and body hemihypertrophy. Last evaluated: 2023-03-24. Review status: criteria provided, single submitter. Criteria: NYGC Assertion Criteria 2020. Collection method: clinical testing. Allele origin: germline. Observed: 1 heterozygote.